The following is an entry in ClinVar:

ClinVar aggregate classification (germline): Uncertain significance (1 of 4 stars; one submission).

Conditions:
Charcot-Marie-Tooth disease type 4. Also called: Charcot-Marie-Tooth disease, type IV; Charcot-Marie-Tooth, Type 4. Identifiers: Orphanet 64749, MedGen C4082197, MONDO:0018995.

Submission:

Labcorp Genetics (formerly Invitae), Labcorp
Classification: Uncertain significance for Charcot-Marie-Tooth disease type 4. Last evaluated: 2020-07-17. Review status: criteria provided, single submitter. Criteria: Invitae Variant Classification Sherloc (09022015). Collection method: clinical testing. Allele origin: germline.
Comment: This sequence change replaces glycine with alanine at codon 1008 of the SH3TC2 protein (p.Gly1008Ala). The glycine residue is highly conserved and there is a small physicochemical difference between glycine and alanine. This variant is not present in population databases (ExAC no frequency). This variant has not been reported in the literature in individuals with SH3TC2-related conditions. Advanced modeling of protein sequence and biophysical properties (such as structural, functional, and spatial information, amino acid conservation, physicochemical variation, residue mobility, and thermodynamic stability) performed at Invitae indicates that this missense variant is not expected to disrupt SH3TC2 protein function. In summary, the available evidence is currently insufficient to determine the role of this variant in disease. Therefore, it has been classified as a Variant of Uncertain Significance.

NM_024577.4(SH3TC2):c.3023G>C (p.Gly1008Ala)

Gene: SH3TC2 (SH3 domain and tetratricopeptide repeats 2; minus strand). Cytogenetic location: 5q32.
Variant type: single nucleotide variant.
Coding change: c.3023G>C on transcript NM_024577.4 (MANE Select); coding-DNA position 3023, G replaced by C.
Protein change: p.Gly1008Ala; replaces glycine 1008 with alanine.
Molecular consequence: missense variant.
Genome position (GRCh38, 1-based): chr5:149,026,602, C>G on the plus strand (G>C on the coding strand, the complement: SH3TC2 is on the minus strand). VCF-style: chr5-149026602-C-G. GRCh37 (hg19) VCF-style: chr5-148406165-C-G.
Other names: short protein forms G1008A.
Identifiers: ClinVar variation 1053017 (VCV001053017.9), dbSNP rs2127396858, ClinGen allele CA361665107.